The following is an entry in ClinVar:

ClinVar aggregate classification (germline): Uncertain significance. Review status: criteria provided, multiple submitters, no conflicts (2 of 4 stars). 2 submissions from 2 submitters: Uncertain significance (2). Last evaluated 2025-07-10.

Conditions:
Hereditary cancer-predisposing syndrome. Also called: Neoplastic Syndromes, Hereditary; Hereditary Cancer Syndrome; Tumor predisposition; Hereditary neoplastic syndrome. Identifiers: Orphanet 140162, MedGen C0027672, MeSH D009386, MONDO:0015356.
Familial adenomatous polyposis 2. Also called: FAP type 2; COLORECTAL ADENOMATOUS POLYPOSIS, AUTOSOMAL RECESSIVE; MYH-associated polyposis; MUTYH-associated polyposis; Adenomas, multiple colorectal; ADENOMAS, MULTIPLE COLORECTAL, AUTOSOMAL RECESSIVE. Identifiers: Orphanet 220460, Orphanet 247798, MedGen C3272841, MONDO:0012041, OMIM 608456.

Allele frequency attached by ClinVar (database versions not stated): gnomAD exomes 0.00001.
gnomAD v4.1: 8 of 1,613,816 alleles (0.0005%); highest among the groups gnomAD compares: East Asian, 0.0022%; no homozygotes.

Submissions (2):

Labcorp Genetics (formerly Invitae), Labcorp
Classification: Uncertain significance for Familial adenomatous polyposis 2. Last evaluated: 2025-07-10. Review status: criteria provided, single submitter. Criteria: Invitae Variant Classification Sherloc (09022015). Collection method: clinical testing. Allele origin: germline.
Comment: This sequence change falls in intron 1 of the MUTYH gene. It does not directly change the encoded amino acid sequence of the MUTYH protein. It affects a nucleotide within the consensus splice site. This variant is not present in population databases (gnomAD no frequency). This variant has not been reported in the literature in individuals affected with MUTYH-related conditions. ClinVar contains an entry for this variant (Variation ID: 464716). Variants that disrupt the consensus splice site are a relatively common cause of aberrant splicing (PMID: 17576681, 9536098). Studies have shown that this variant is associated with inconclusive levels of altered splicing (internal data). In summary, the available evidence is currently insufficient to determine the role of this variant in disease. Therefore, it has been classified as a Variant of Uncertain Significance.

Color Diagnostics, LLC DBA Color Health
Classification: Uncertain significance for Hereditary cancer-predisposing syndrome. Last evaluated: 2020-10-07. Review status: criteria provided, single submitter. Criteria: ACMG Guidelines, 2015. Collection method: clinical testing. Allele origin: germline.
Comment: This variant causes a C to G nucleotide substitution at the +6 position of intron 1 of the MUTYH gene. To our knowledge, functional studies have not been reported for this variant. This variant has not been reported in individuals affected with hereditary cancer in the literature. This variant has not been identified in the general population by the Genome Aggregation Database (gnomAD). The available evidence is insufficient to determine the role of this variant in disease conclusively. Therefore, this variant is classified as a Variant of Uncertain Significance.

Literature cited by the submitters: PubMed 17576681 (cited by Labcorp Genetics (formerly Invitae), Labcorp); PubMed 9536098 (cited by Labcorp Genetics (formerly Invitae), Labcorp).

NM_001128425.2(MUTYH):c.36+6C>G

Genes: MUTYH (mutY DNA glycosylase; minus strand), TOE1 (target of EGR1, exonuclease; plus strand). Cytogenetic location: 1p34.1.
Variant type: single nucleotide variant.
Coding change: c.36+6C>G on transcript NM_001128425.2 (MANE Plus Clinical); 6 bases into the intron after coding-DNA position 36, C replaced by G.
Molecular consequence: intron variant. On other transcripts: 5 prime UTR variant (3).
Genome position (GRCh38, 1-based): chr1:45,340,213, G>C on the plus strand (C>G on the coding strand, the complement: MUTYH is on the minus strand). VCF-style: chr1-45340213-G-C. GRCh37 (hg19) VCF-style: chr1-45805885-G-C.
Other names: c.-7+6C>G (NM_001048171.2); c.36+6C>G (NM_001293190.2, NM_001407069.1, NM_012222.3 and 1 more transcripts); c.-40G>C (NM_025077.4); c.-17C>G (NM_001407070.1, NM_001407071.1); c.-7+10C>G (NM_001407072.1); c.-214+6C>G (NM_001350651.2); c.-219+6C>G (NM_001293192.2); c.-278+6C>G (NM_001350650.2).
Identifiers: ClinVar variation 464716 (VCV000464716.15), dbSNP rs1553136962, ClinGen allele CA658656906.